The following is an entry in ClinVar:

NM_001166108.2(PALLD):c.1364G>A (p.Gly455Asp)

Gene: PALLD (palladin, cytoskeletal associated protein; plus strand). Cytogenetic location: 4q32.3.
Variant type: single nucleotide variant.
Coding change: c.1364G>A on transcript NM_001166108.2 (MANE Select); coding-DNA position 1364, G replaced by A.
Protein change: p.Gly455Asp; replaces glycine 455 with aspartic acid.
Molecular consequence: missense variant.
Genome position (GRCh38, 1-based): chr4:168,690,631, G>A. VCF-style: chr4-168690631-G-A. GRCh37 (hg19) VCF-style: chr4-169611782-G-A.
Other names: c.218G>A, p.Gly73Asp (NM_001166109.2); c.1364G>A, p.Gly455Asp (NM_016081.4); short protein forms G455D, G73D.
Identifiers: ClinVar variation 3226732 (VCV003226732.1), dbSNP rs755267941, ClinGen allele CA3135598.
Genomic context (GRCh38, chr4:168,690,631, plus strand): 5'-TGGGGTTTTCCTTGAATTTCCTTGAATTTCAGGAACTGCAAAACACAGCCGTGGCGGAAG[G>A]CCAGGTGGTGGTTCTGGAGTGCCGGGTCCGTGGGGCACCCCCTCTGCAGGTCCAGTGGTT-3'
Protein context (NP_001159580.1, residues 445-465): KELQNTAVAE[Gly455Asp]QVVVLECRVR

ClinVar aggregate classification (germline): Uncertain significance (1 of 4 stars; one submission).

Allele frequency attached by ClinVar (database versions not stated): gnomAD exomes below 0.00001; ExAC 0.00001.
gnomAD v4.1: 2 of 1,614,192 alleles (0.00012%); highest among the groups gnomAD compares: South Asian, 0.0011%; no homozygotes.

Submission:

Ambry Genetics
Classification: Uncertain significance. Last evaluated: 2024-03-10. Review status: criteria provided, single submitter. Criteria: Ambry Variant Classification Scheme 2023. Collection method: clinical testing. Allele origin: germline.
Comment: The p.G455D variant (also known as c.1364G>A), located in coding exon 6 of the PALLD gene, results from a G to A substitution at nucleotide position 1364. The glycine at codon 455 is replaced by aspartic acid, an amino acid with similar properties. This amino acid position is conserved. In addition, this alteration is predicted to be deleterious by in silico analysis. Based on the available evidence, the clinical significance of this alteration remains unclear.